The following is an entry in ClinVar:

NM_014141.6(CNTNAP2):c.3476-278C>T

Gene: CNTNAP2 (contactin associated protein 2; plus strand). Cytogenetic location: 7q36.1.
Variant type: single nucleotide variant.
Coding change: c.3476-278C>T on transcript NM_014141.6 (MANE Select); 278 bases into the intron before coding-DNA position 3476, C replaced by T.
Molecular consequence: intron variant.
Genome position (GRCh38, 1-based): chr7:148,383,371, C>T. VCF-style: chr7-148383371-C-T. GRCh37 (hg19) VCF-style: chr7-148080463-C-T.
Identifiers: ClinVar variation 668102 (VCV000668102.1), dbSNP rs10808052, ClinGen allele CA12524743.

ClinVar aggregate classification (germline): Benign (1 of 4 stars; one submission).

Allele frequency attached by ClinVar (database versions not stated): gnomAD 0.33112 and 0.33920; TOPMed 0.35481; 1000 Genomes Project 30x 0.38882; 1000 Genomes Project 0.39417.
gnomAD v4.1: 51,816 of 151,914 alleles (34%); highest among the groups gnomAD compares: East Asian, 66%; 10,204 homozygotes.

Submission:

GeneDx
Classification: Benign. Last evaluated: 2018-06-18. Review status: criteria provided, single submitter. Criteria: GeneDx Variant Classification (06012015). Collection method: clinical testing. Allele origin: germline. Affected: yes.
Comment: This variant is considered likely benign or benign based on one or more of the following criteria: it is a conservative change, it occurs at a poorly conserved position in the protein, it is predicted to be benign by multiple in silico algorithms, and/or has population frequency not consistent with disease.